The following is an entry in ClinVar:

NM_016148.5(SHANK1):c.1874A>G (p.Asp625Gly)

Gene: SHANK1 (SH3 and multiple ankyrin repeat domains 1; minus strand). Cytogenetic location: 19q13.33.
Variant type: single nucleotide variant.
Coding change: c.1874A>G on transcript NM_016148.5 (MANE Select); coding-DNA position 1874, A replaced by G.
Protein change: p.Asp625Gly; replaces aspartic acid 625 with glycine.
Molecular consequence: missense variant.
Genome position (GRCh38, 1-based): chr19:50,697,652, T>C on the plus strand (A>G on the coding strand, the complement: SHANK1 is on the minus strand). VCF-style: chr19-50697652-T-C. GRCh37 (hg19) VCF-style: chr19-51200909-T-C.
Other names: short protein forms D625G.
Identifiers: ClinVar variation 5017609 (VCV005017609.1).

ClinVar aggregate classification (germline): Uncertain significance (1 of 4 stars; one submission).

gnomAD v4.1: 2 of 1,614,002 alleles (0.00012%); highest among the groups gnomAD compares: Non-Finnish European, 0.00017%; no homozygotes.

Submission:

GeneDx
Classification: Uncertain significance. Last evaluated: 2026-03-26. Review status: criteria provided, single submitter. Criteria: GeneDx Variant Classification Process June 2021. Collection method: clinical testing. Allele origin: germline.
Comment: Not observed at significant frequency in large population cohorts (gnomAD); In silico analysis supports that this missense variant has a deleterious effect on protein structure/function; Has not been previously published as pathogenic or benign to our knowledge